The following is an entry in ClinVar:

ClinVar aggregate classification (germline): Uncertain significance. Review status: criteria provided, multiple submitters, no conflicts (2 of 4 stars). 2 submissions from 2 submitters: Uncertain significance (2). Last evaluated 2025-06-12.

gnomAD v4.1: 14 of 1,614,000 alleles (0.00087%); highest among the groups gnomAD compares: South Asian, 0.015%; no homozygotes.

Submissions (2):

Labcorp Genetics (formerly Invitae), Labcorp
Classification: Uncertain significance. Last evaluated: 2025-06-12. Review status: criteria provided, single submitter. Criteria: Invitae Variant Classification Sherloc (09022015). Collection method: clinical testing. Allele origin: germline.
Comment: This sequence change replaces aspartic acid, which is acidic and polar, with tyrosine, which is neutral and polar, at codon 159 of the GJB2 protein (p.Asp159Tyr). This variant is present in population databases (rs373684994, gnomAD 0.02%). This missense change has been observed in individual(s) with GJB2-related conditions (PMID: 16125251, 18941476). ClinVar contains an entry for this variant (Variation ID: 2627130). Invitae Evidence Modeling of protein sequence and biophysical properties (such as structural, functional, and spatial information, amino acid conservation, physicochemical variation, residue mobility, and thermodynamic stability) has been performed for this missense variant. However, the output from this modeling did not meet the statistical confidence thresholds required to predict the impact of this variant on GJB2 protein function. This variant disrupts the p.Asp159 amino acid residue in GJB2. Other variant(s) that disrupt this residue have been observed in individuals with GJB2-related conditions (PMID: 16380907; internal data), which suggests that this may be a clinically significant amino acid residue. In summary, the available evidence is currently insufficient to determine the role of this variant in disease. Therefore, it has been classified as a Variant of Uncertain Significance.

Women's Health and Genetics/Laboratory Corporation of America, LabCorp
Classification: Uncertain significance. Last evaluated: 2023-09-06. Review status: criteria provided, single submitter. Criteria: LabCorp Variant Classification Summary - May 2015. Collection method: clinical testing. Allele origin: germline.
Comment: Variant summary: GJB2 c.475G>T (p.Asp159Tyr) results in a non-conservative amino acid change in the encoded protein sequence. Three of five in-silico tools predict a damaging effect of the variant on protein function. The variant allele was found at a frequency of 2.8e-05 in 251088 control chromosomes (i.e., 7 heterozygotes; gnomAD v2.1 Exomes dataset). The available data on variant occurrences in the general population are insufficient to allow any conclusion about variant significance. c.475G>T has been reported in the literature in at least three heterozygous individuals affected with hearing loss (e.g., Propst_2006, Mani_2009), however without strong evidence for causality (e.g., lack of co-segregation data). These reports therefore do not provide unequivocal conclusions about association of the variant with Non-Syndromic Hearing Loss. To our knowledge, no experimental evidence demonstrating an impact on protein function has been reported. The following publications have been ascertained in the context of this evaluation (PMID: 18941476, 16125251). No submitters have reported clinical-significance assessments for this variant to ClinVar after 2014. Based on the evidence outlined above, the variant was classified as uncertain significance.

Literature cited by the submitters: PubMed 16125251 (cited by Labcorp Genetics (formerly Invitae), Labcorp and Women's Health and Genetics/Laboratory Corporation of America, LabCorp); PubMed 18941476 (cited by Labcorp Genetics (formerly Invitae), Labcorp and Women's Health and Genetics/Laboratory Corporation of America, LabCorp); PubMed 16380907 (cited by Labcorp Genetics (formerly Invitae), Labcorp).

NM_004004.6(GJB2):c.475G>T (p.Asp159Tyr)

Gene: GJB2 (gap junction protein beta 2; minus strand). Cytogenetic location: 13q12.11.
Variant type: single nucleotide variant.
Coding change: c.475G>T on transcript NM_004004.6 (MANE Select); coding-DNA position 475, G replaced by T.
Protein change: p.Asp159Tyr; replaces aspartic acid 159 with tyrosine.
Molecular consequence: missense variant.
Genome position (GRCh38, 1-based): chr13:20,189,107, C>A on the plus strand (G>T on the coding strand, the complement: GJB2 is on the minus strand). VCF-style: chr13-20189107-C-A. GRCh37 (hg19) VCF-style: chr13-20763246-C-A.
Other names: short protein forms D159Y.
Identifiers: ClinVar variation 2627130 (VCV002627130.3), dbSNP rs373684994, ClinGen allele CA6904260.
Genomic context (GRCh38, chr13:20,189,107, plus strand): 5'-CCACAGTGTTGGGACAAGGCCAGGCGTTGCACTTCACCAGCCGCTGCATGGAGAAGCCGT[C>A]GTACATGACATAGAAGACGTACATGAAGGCGGCTTCGAAGATGACCCGGAAGAAGATGCT-3'
Protein context (NP_003995.2, residues 149-169): AFMYVFYVMY[Asp159Tyr]GFSMQRLVKC